The following is an entry in ClinVar:

NM_001042492.3(NF1):c.4192C>T (p.Pro1398Ser)

Gene: NF1 (neurofibromin 1; plus strand). Cytogenetic location: 17q11.2.
Variant type: single nucleotide variant.
Coding change: c.4192C>T on transcript NM_001042492.3 (MANE Select); coding-DNA position 4192, C replaced by T.
Protein change: p.Pro1398Ser; replaces proline 1398 with serine.
Molecular consequence: missense variant.
Genome position (GRCh38, 1-based): chr17:31,258,362, C>T. VCF-style: chr17-31258362-C-T. GRCh37 (hg19) VCF-style: chr17-29585380-C-T.
Other names: c.4129C>T, p.Pro1377Ser (NM_000267.4); short protein forms P1377S, P1398S.
Identifiers: ClinVar variation 1969665 (VCV001969665.6), dbSNP rs2151461818, ClinGen allele CA398997572.

ClinVar aggregate classification (germline): Uncertain significance. Review status: criteria provided, multiple submitters, no conflicts (2 of 4 stars). 2 submissions from 2 submitters: Uncertain significance (2). Last evaluated 2025-06-07.

Conditions:
Neurofibromatosis, type 1 (NF1). Also called: Peripheral type neurofibromatosis; VON RECKLINGHAUSEN DISEASE; Neurofibromatosis, type I; NEUROFIBROMATOSIS, TYPE I, SOMATIC. Identifiers: Orphanet 636, MedGen C0027831, MONDO:0018975, OMIM 162200. Disease mechanism: loss of function.
Hereditary cancer-predisposing syndrome. Also called: Hereditary neoplastic syndrome; Neoplastic Syndromes, Hereditary; Tumor predisposition; Hereditary Cancer Syndrome. Identifiers: Orphanet 140162, MedGen C0027672, MeSH D009386, MONDO:0015356.
Cardiovascular phenotype. Identifiers: MedGen CN230736.

Allele frequency attached by ClinVar (database versions not stated): gnomAD exomes below 0.00001.
gnomAD v4.1: 1 of 1,613,776 alleles (0.000062%); highest among the groups gnomAD compares: East Asian, 0.0022%; no homozygotes.

Submissions (2):

Ambry Genetics
Classification: Uncertain significance for Cardiovascular phenotype; Hereditary cancer-predisposing syndrome. Last evaluated: 2025-06-07. Review status: criteria provided, single submitter. Criteria: Ambry Variant Classification Scheme 2023. Collection method: clinical testing. Allele origin: germline.
Comment: The p.P1377S variant (also known as c.4129C>T), located in coding exon 31 of the NF1 gene, results from a C to T substitution at nucleotide position 4129. The proline at codon 1377 is replaced by serine, an amino acid with similar properties. This amino acid position is conserved. In addition, the in silico prediction for this alteration is inconclusive. Based on the available evidence, the clinical significance of this variant remains unclear.

Labcorp Genetics (formerly Invitae), Labcorp
Classification: Uncertain significance for Neurofibromatosis, type 1. Last evaluated: 2023-11-09. Review status: criteria provided, single submitter. Criteria: Invitae Variant Classification Sherloc (09022015). Collection method: clinical testing. Allele origin: germline.
Comment: This sequence change replaces proline, which is neutral and non-polar, with serine, which is neutral and polar, at codon 1377 of the NF1 protein (p.Pro1377Ser). This variant is not present in population databases (gnomAD no frequency). This variant has not been reported in the literature in individuals affected with NF1-related conditions. ClinVar contains an entry for this variant (Variation ID: 1969665). Advanced modeling of protein sequence and biophysical properties (such as structural, functional, and spatial information, amino acid conservation, physicochemical variation, residue mobility, and thermodynamic stability) performed at Invitae indicates that this missense variant is expected to disrupt NF1 protein function with a positive predictive value of 95%. In summary, the available evidence is currently insufficient to determine the role of this variant in disease. Therefore, it has been classified as a Variant of Uncertain Significance.